The following is an entry in ClinVar:

ClinVar aggregate classification (germline): Benign/Likely benign. Review status: criteria provided, multiple submitters, no conflicts (2 of 4 stars). 3 submissions from 3 submitters: Benign (1); Likely benign (1). 1 of the submissions does not count toward it. Last evaluated 2025-10-29.

Conditions:
Inborn genetic diseases. Identifiers: MedGen C0950123, MeSH D030342.
Intellectual developmental disorder, X-linked 1. Also called: MENTAL RETARDATION, X-LINKED 18; MENTAL RETARDATION, X-LINKED 78; Atkin Flaitz Patil Smith syndrome; Intellectual disability, X-linked 1. Identifiers: Orphanet 777, MedGen C2931498, MONDO:0010656, OMIM 309530.
IQSEC2-related disorder. Also called: IQSEC2-related condition.

Allele frequency attached by ClinVar (database versions not stated): gnomAD exomes 0.00002 and 0.00007; ExAC 0.00009.

Submissions (3):

Labcorp Genetics (formerly Invitae), Labcorp
Classification: Benign for Intellectual developmental disorder, X-linked 1. Last evaluated: 2025-10-29. Review status: criteria provided, single submitter. Criteria: Invitae Variant Classification Sherloc (09022015). Collection method: clinical testing. Allele origin: germline.

Ambry Genetics
Classification: Likely benign for Inborn genetic diseases. Last evaluated: 2017-06-12. Review status: criteria provided, single submitter. Criteria: Ambry Variant Classification Scheme 2023. Collection method: clinical testing. Allele origin: germline.

PreventionGenetics, part of Exact Sciences
Classification: Likely benign for IQSEC2-related condition. Last evaluated: 2021-03-26. Review status: no assertion criteria provided. Collection method: clinical testing. Allele origin: germline. Not counted in ClinVar's aggregate classification.
Comment: This variant is classified as likely benign based on ACMG/AMP sequence variant interpretation guidelines (Richards et al. 2015 PMID: 25741868, with internal and published modifications).

NM_001111125.3(IQSEC2):c.326A>G (p.Gln109Arg)

Gene: IQSEC2 (IQ motif and Sec7 domain ArfGEF 2; minus strand). Cytogenetic location: Xp11.22.
Variant type: single nucleotide variant.
Coding change: c.326A>G on transcript NM_001111125.3 (MANE Select); coding-DNA position 326, A replaced by G.
Protein change: p.Gln109Arg; replaces glutamine 109 with arginine.
Molecular consequence: missense variant.
Genome position (GRCh38, 1-based): chrX:53,320,798, T>C on the plus strand (A>G on the coding strand, the complement: IQSEC2 is on the minus strand). VCF-style: chrX-53320798-T-C. GRCh37 (hg19) VCF-style: chrX-53349996-T-C.
Other names: short protein forms Q109R.
Identifiers: ClinVar variation 588654 (VCV000588654.8), dbSNP rs781898764, ClinGen allele CA10420220.